The following is an entry in ClinVar:

ClinVar aggregate classification (germline): Uncertain significance (1 of 4 stars; one submission).

Allele frequency attached by ClinVar (database versions not stated): gnomAD 0.00001; gnomAD exomes 0.00001; TOPMed 0.00001.

Submission:

Labcorp Genetics (formerly Invitae), Labcorp
Classification: Uncertain significance. Last evaluated: 2023-11-06. Review status: criteria provided, single submitter. Criteria: Invitae Variant Classification Sherloc (09022015). Collection method: clinical testing. Allele origin: germline.
Comment: This sequence change replaces arginine, which is basic and polar, with glutamine, which is neutral and polar, at codon 364 of the PPM1D protein (p.Arg364Gln). This variant is present in population databases (no rsID available, gnomAD 0.007%). This missense change has been observed in individual(s) with autism spectrum disorder (PMID: 28191889). An algorithm developed to predict the effect of missense changes on protein structure and function (PolyPhen-2) suggests that this variant is likely to be disruptive. In summary, the available evidence is currently insufficient to determine the role of this variant in disease. Therefore, it has been classified as a Variant of Uncertain Significance.

Literature cited by the submitters: PubMed 28191889.

NM_003620.4(PPM1D):c.1091G>A (p.Arg364Gln)

Gene: PPM1D (protein phosphatase, Mg2+/Mn2+ dependent 1D; plus strand). Cytogenetic location: 17q23.2.
Variant type: single nucleotide variant.
Coding change: c.1091G>A on transcript NM_003620.4 (MANE Select); coding-DNA position 1091, G replaced by A.
Protein change: p.Arg364Gln; replaces arginine 364 with glutamine.
Molecular consequence: missense variant.
Genome position (GRCh38, 1-based): chr17:60,656,672, G>A. VCF-style: chr17-60656672-G-A. GRCh37 (hg19) VCF-style: chr17-58734033-G-A.
Other names: short protein forms R364Q.
Identifiers: ClinVar variation 2716072 (VCV002716072.3), dbSNP rs1294900106, ClinGen allele CA400450628.